The following is an entry in ClinVar:

NM_019032.6(ADAMTSL4):c.2342G>T (p.Arg781Leu)

Gene: ADAMTSL4 (ADAMTS like 4; plus strand). Cytogenetic location: 1q21.2.
Variant type: single nucleotide variant.
Coding change: c.2342G>T on transcript NM_019032.6 (MANE Select); coding-DNA position 2342, G replaced by T.
Protein change: p.Arg781Leu; replaces arginine 781 with leucine.
Molecular consequence: missense variant.
Genome position (GRCh38, 1-based): chr1:150,558,109, G>T. VCF-style: chr1-150558109-G-T. GRCh37 (hg19) VCF-style: chr1-150530585-G-T.
Other names: c.2225G>T, p.Arg742Leu (NM_001288607.2); c.2411G>T, p.Arg804Leu (NM_001288608.2); c.2342G>T, p.Arg781Leu (NM_001378596.1, NM_025008.5); short protein forms R742L, R804L, R781L.
Identifiers: ClinVar variation 1965133 (VCV001965133.5), dbSNP rs774178865, ClinGen allele CA342314920.

ClinVar aggregate classification (germline): Uncertain significance (1 of 4 stars; one submission).

gnomAD v4.1: 10 of 1,613,344 alleles (0.00062%); highest among the groups gnomAD compares: Non-Finnish European, 0.00085%; no homozygotes.

Submission:

Labcorp Genetics (formerly Invitae), Labcorp
Classification: Uncertain significance. Last evaluated: 2022-07-15. Review status: criteria provided, single submitter. Criteria: Invitae Variant Classification Sherloc (09022015). Collection method: clinical testing. Allele origin: germline.
Comment: This sequence change replaces arginine, which is basic and polar, with leucine, which is neutral and non-polar, at codon 781 of the ADAMTSL4 protein (p.Arg781Leu). This variant is not present in population databases (gnomAD no frequency). This variant has not been reported in the literature in individuals affected with ADAMTSL4-related conditions. Algorithms developed to predict the effect of missense changes on protein structure and function are either unavailable or do not agree on the potential impact of this missense change (SIFT: "Deleterious"; PolyPhen-2: "Benign"; Align-GVGD: "Class C35"). In summary, the available evidence is currently insufficient to determine the role of this variant in disease. Therefore, it has been classified as a Variant of Uncertain Significance.